The following is an entry in ClinVar:

NM_020433.5(JPH2):c.1348C>T (p.Leu450=)

Gene: JPH2 (junctophilin 2; minus strand). Cytogenetic location: 20q13.12.
Variant type: single nucleotide variant.
Coding change: c.1348C>T on transcript NM_020433.5 (MANE Select); coding-DNA position 1348, C replaced by T.
Protein change: p.Leu450=; no amino-acid change (leucine 450 retained).
Molecular consequence: synonymous variant.
Genome position (GRCh38, 1-based): chr20:44,116,327, G>A on the plus strand (C>T on the coding strand, the complement: JPH2 is on the minus strand). VCF-style: chr20-44116327-G-A. GRCh37 (hg19) VCF-style: chr20-42744967-G-A.
Identifiers: ClinVar variation 702377 (VCV000702377.35), dbSNP rs932394965, ClinGen allele CA314642712.

ClinVar aggregate classification (germline): Likely benign. Review status: criteria provided, multiple submitters, no conflicts (2 of 4 stars). 5 submissions from 5 submitters: Likely benign (5). Last evaluated 2026-05-23.

Conditions:
JPH2-related disorder. Also called: JPH2-related condition.
Cardiovascular phenotype. Identifiers: MedGen CN230736.
Hypertrophic cardiomyopathy. Also called: HYPERTROPHIC MYOCARDIOPATHY. Identifiers: Orphanet 217569, MedGen C0007194, MeSH D002312, MONDO:0005045, HP:0001639.

Allele frequency attached by ClinVar (database versions not stated): gnomAD exomes 0.00001 and 0.00002; gnomAD 0.00003 and 0.00004; TOPMed 0.00005.
gnomAD v4.1: 29 of 1,545,358 alleles (0.0019%); highest among the groups gnomAD compares: Middle Eastern, 0.021%; no homozygotes.

Submissions (5):

PreventionGenetics, part of Exact Sciences
Classification: Likely benign for JPH2-related condition. Last evaluated: 2026-05-23. Review status: criteria provided, single submitter. Criteria: ACMG Guidelines, 2015. Collection method: clinical testing. Allele origin: germline.
Comment: This variant is classified as likely benign based on ACMG/AMP sequence variant interpretation guidelines (Richards et al. 2015 PMID: 25741868, with internal and published modifications).

Labcorp Genetics (formerly Invitae), Labcorp
Classification: Likely benign for Hypertrophic cardiomyopathy. Last evaluated: 2025-09-10. Review status: criteria provided, single submitter. Criteria: Invitae Variant Classification Sherloc (09022015). Collection method: clinical testing. Allele origin: germline.

Blueprint Genetics
Classification: Likely benign. Last evaluated: 2024-07-31. Review status: criteria provided, single submitter. Criteria: ACMG Guidelines, 2015. Collection method: clinical testing. Allele origin: germline.

CeGaT Center for Human Genetics Tuebingen
Classification: Likely benign. Last evaluated: 2023-11-01. Review status: criteria provided, single submitter. Criteria: CeGaT Center For Human Genetics Tuebingen Variant Classification Criteria Version 2. Collection method: clinical testing. Allele origin: germline. Affected: yes. Observed: 1 variant allele.
Comment: JPH2: BP4, BP7

Ambry Genetics
Classification: Likely benign for Cardiovascular phenotype. Last evaluated: 2020-02-10. Review status: criteria provided, single submitter. Criteria: Ambry Variant Classification Scheme 2023. Collection method: clinical testing. Allele origin: germline.